The following is an entry in ClinVar:

ClinVar aggregate classification (germline): Uncertain significance (1 of 4 stars; one submission).

Conditions:
Spondyloenchondrodysplasia with immune dysregulation (SPENCDI). Also called: COMBINED IMMUNODEFICIENCY WITH AUTOIMMUNITY AND SPONDYLOMETAPHYSEAL DYSPLASIA; ROIFMAN IMMUNOSKELETAL SYNDROME; SPONDYLOENCHONDRODYSPLASIA WITH OR WITHOUT IMMUNE DYSREGULATION. Identifiers: Orphanet 1855, MedGen C1842763, MONDO:0011939, OMIM 607944.

Submission:

Labcorp Genetics (formerly Invitae), Labcorp
Classification: Uncertain significance for Spondyloenchondrodysplasia with immune dysregulation. Last evaluated: 2024-05-19. Review status: criteria provided, single submitter. Criteria: Invitae Variant Classification Sherloc (09022015). Collection method: clinical testing. Allele origin: germline.
Comment: This sequence change replaces methionine, which is neutral and non-polar, with arginine, which is basic and polar, at codon 154 of the ACP5 protein (p.Met154Arg). This variant is not present in population databases (gnomAD no frequency). This variant has not been reported in the literature in individuals affected with ACP5-related conditions. Advanced modeling of protein sequence and biophysical properties (such as structural, functional, and spatial information, amino acid conservation, physicochemical variation, residue mobility, and thermodynamic stability) performed at Invitae indicates that this missense variant is expected to disrupt ACP5 protein function with a positive predictive value of 80%. Algorithms developed to predict the effect of sequence changes on RNA splicing suggest that this variant may create or strengthen a splice site. In summary, the available evidence is currently insufficient to determine the role of this variant in disease. Therefore, it has been classified as a Variant of Uncertain Significance.

NM_001611.5(ACP5):c.461T>G (p.Met154Arg)

Gene: ACP5 (acid phosphatase 5, tartrate resistant; minus strand). Cytogenetic location: 19p13.2.
Variant type: single nucleotide variant.
Coding change: c.461T>G on transcript NM_001611.5 (MANE Select); coding-DNA position 461, T replaced by G.
Protein change: p.Met154Arg; replaces methionine 154 with arginine.
Molecular consequence: missense variant.
Genome position (GRCh38, 1-based): chr19:11,576,517, A>C on the plus strand (T>G on the coding strand, the complement: ACP5 is on the minus strand). VCF-style: chr19-11576517-A-C. GRCh37 (hg19) VCF-style: chr19-11687332-A-C.
Other names: c.461T>G, p.Met154Arg (NM_001111034.3, NM_001111035.3, NM_001111036.3 and 1 more transcripts); short protein forms M154R.
Identifiers: ClinVar variation 3653849 (VCV003653849.2).